The following is an entry in ClinVar:

ClinVar aggregate classification (germline): Uncertain significance (1 of 4 stars; one submission).

gnomAD v4.1: 1 of 1,613,866 alleles (0.000062%); no homozygotes.

Submission:

Ambry Genetics
Classification: Uncertain significance. Last evaluated: 2023-06-05. Review status: criteria provided, single submitter. Criteria: Ambry Variant Classification Scheme 2023. Collection method: clinical testing. Allele origin: germline.
Comment: The p.R1003T variant (also known as c.3008G>C), located in coding exon 4 of the ALPK2 gene, results from a G to C substitution at nucleotide position 3008. The arginine at codon 1003 is replaced by threonine, an amino acid with similar properties. This amino acid position is conserved. In addition, this alteration is predicted to be tolerated by in silico analysis. Since supporting evidence is limited at this time, the clinical significance of this alteration remains unclear.

NM_052947.4(ALPK2):c.3008G>C (p.Arg1003Thr)

Gene: ALPK2 (alpha kinase 2; minus strand). Cytogenetic location: 18q21.31.
Variant type: single nucleotide variant.
Coding change: c.3008G>C on transcript NM_052947.4 (MANE Select); coding-DNA position 3008, G replaced by C.
Protein change: p.Arg1003Thr; replaces arginine 1003 with threonine.
Molecular consequence: missense variant.
Genome position (GRCh38, 1-based): chr18:58,537,179, C>G on the plus strand (G>C on the coding strand, the complement: ALPK2 is on the minus strand). VCF-style: chr18-58537179-C-G. GRCh37 (hg19) VCF-style: chr18-56204411-C-G.
Other names: short protein forms R1003T.
Identifiers: ClinVar variation 2561809 (VCV002561809.2), dbSNP rs2051655084, ClinGen allele CA402569297.